The following is an entry in ClinVar:

ClinVar aggregate classification (germline): Uncertain significance (1 of 4 stars; one submission).

Conditions:
Hereditary cancer-predisposing syndrome. Also called: Neoplastic Syndromes, Hereditary; Tumor predisposition; Hereditary neoplastic syndrome; Hereditary Cancer Syndrome. Identifiers: Orphanet 140162, MedGen C0027672, MeSH D009386, MONDO:0015356.

gnomAD v4.1: 1 of 1,614,012 alleles (0.000062%); highest among the groups gnomAD compares: Admixed American, 0.0017%; no homozygotes.

Submission:

Ambry Genetics
Classification: Uncertain significance for Hereditary cancer-predisposing syndrome. Last evaluated: 2026-09-11. Review status: criteria provided, single submitter. Criteria: Ambry Variant Classification Scheme 2023. Collection method: clinical testing. Allele origin: germline.
Comment: The p.Y131C variant (also known as c.392A>G), located in coding exon 3 of the XRCC2 gene, results from an A to G substitution at nucleotide position 392. The tyrosine at codon 131 is replaced by cysteine, an amino acid with highly dissimilar properties. This amino acid position is conserved. In addition, this alteration is predicted to be tolerated by in silico analysis. Based on the available evidence, the clinical significance of this variant remains unclear.

NM_005431.2(XRCC2):c.392A>G (p.Tyr131Cys)

Gene: XRCC2 (X-ray repair cross complementing 2; minus strand). Cytogenetic location: 7q36.1.
Variant type: single nucleotide variant.
Coding change: c.392A>G on transcript NM_005431.2 (MANE Select); coding-DNA position 392, A replaced by G.
Protein change: p.Tyr131Cys; replaces tyrosine 131 with cysteine.
Molecular consequence: missense variant.
Genome position (GRCh38, 1-based): chr7:152,649,093, T>C on the plus strand (A>G on the coding strand, the complement: XRCC2 is on the minus strand). VCF-style: chr7-152649093-T-C. GRCh37 (hg19) VCF-style: chr7-152346178-T-C.
Other names: short protein forms Y131C.
Identifiers: ClinVar variation 5032095 (VCV005032095.1).